The following is an entry in ClinVar:

ClinVar aggregate classification (germline): Uncertain significance (1 of 4 stars; one submission).

Allele frequency attached by ClinVar (database versions not stated): gnomAD exomes 0.00001.
gnomAD v4.1: 15 of 1,614,034 alleles (0.00093%); highest among the groups gnomAD compares: East Asian, 0.0022%; no homozygotes.

Submission:

GeneDx
Classification: Uncertain significance. Last evaluated: 2022-10-26. Review status: criteria provided, single submitter. Criteria: GeneDx Variant Classification Process June 2021. Collection method: clinical testing. Allele origin: germline. Affected: yes.
Comment: Not observed at significant frequency in large population cohorts (gnomAD); In silico analysis supports that this missense variant does not alter protein structure/function; Has not been previously published as pathogenic or benign to our knowledge

NM_001378418.1(TCF20):c.2695C>T (p.Arg899Cys)

Gene: TCF20 (transcription factor 20; minus strand). Cytogenetic location: 22q13.2.
Variant type: single nucleotide variant.
Coding change: c.2695C>T on transcript NM_001378418.1 (MANE Select); coding-DNA position 2695, C replaced by T.
Protein change: p.Arg899Cys; replaces arginine 899 with cysteine.
Molecular consequence: missense variant.
Genome position (GRCh38, 1-based): chr22:42,212,611, G>A on the plus strand (C>T on the coding strand, the complement: TCF20 is on the minus strand). VCF-style: chr22-42212611-G-A. GRCh37 (hg19) VCF-style: chr22-42608617-G-A.
Other names: c.2695C>T, p.Arg899Cys (NM_005650.4, NM_181492.3); short protein forms R899C.
Identifiers: ClinVar variation 1712816 (VCV001712816.2), dbSNP rs765753339, ClinGen allele CA411788091.